The following is an entry in ClinVar:

NM_024996.7(GFM1):c.1015dup (p.Thr339fs)

Gene: GFM1 (G elongation factor mitochondrial 1; plus strand). Cytogenetic location: 3q25.32.
Variant type: Duplication.
Coding change: c.1015dup on transcript NM_024996.7 (MANE Select); coding-DNA position 1015, one base duplicated (A; older notation c.1015dupA).
Protein change: p.Thr339fs; shifts the reading frame from threonine 339.
Molecular consequence: frameshift variant. On other transcripts: non-coding transcript variant (3).
Genome position (GRCh38, 1-based): chr3:158,654,563, A duplicated; the last of 4 consecutive A bases (chr3:158,654,560-158,654,563); duplicating any one gives the same sequence. VCF-style (leftmost placement, unchanged base first): chr3-158654559-G-GA. GRCh37 (hg19) VCF-style: chr3-158372348-G-GA.
Other names: c.1072dup, p.Thr358fs (NM_001308164.2, NM_001374355.1); c.1015dup, p.Thr339fs (NM_001308166.2); c.898dup, p.Thr300fs (NM_001374356.1); c.790dup, p.Thr264fs (NM_001374357.1); c.556dup, p.Thr186fs (NM_001374358.1); c.448dup, p.Thr150fs (NM_001374359.1, NM_001374360.1); c.331dup, p.Thr111fs (NM_001374361.1); short protein forms T111fs, T186fs, T264fs, T150fs, T300fs, T339fs, T358fs.
Identifiers: ClinVar variation 1457900 (VCV001457900.6), dbSNP rs2108023364, ClinGen allele CA2573136683.

ClinVar aggregate classification (germline): Pathogenic (1 of 4 stars; one submission).

Submission:

Labcorp Genetics (formerly Invitae), Labcorp
Classification: Pathogenic. Last evaluated: 2020-11-06. Review status: criteria provided, single submitter. Criteria: Invitae Variant Classification Sherloc (09022015). Collection method: clinical testing. Allele origin: germline.
Comment: This variant has not been reported in the literature in individuals with GFM1-related conditions. For these reasons, this variant has been classified as Pathogenic. This variant is not present in population databases (ExAC no frequency). This sequence change creates a premature translational stop signal (p.Thr339Asnfs*9) in the GFM1 gene. It is expected to result in an absent or disrupted protein product. Loss-of-function variants in GFM1 are known to be pathogenic (PMID: 16632485, 17160893).

Literature cited by the submitters: PubMed 16632485; PubMed 17160893.